The following is an entry in ClinVar:

ClinVar aggregate classification (germline): Likely pathogenic (1 of 4 stars; one submission).

Conditions:
DICER1-related tumor predisposition. Also called: DICER1-related pleuropulmonary blastoma cancer predisposition syndrome; DICER1 syndrome. Identifiers: Orphanet 284343, MedGen C3839822, MONDO:0100216.

Allele frequency attached by ClinVar (database versions not stated): gnomAD exomes below 0.00001.
gnomAD v4.1: 1 of 1,613,872 alleles (0.000062%); highest among the groups gnomAD compares: Non-Finnish European, 0.000085%; no homozygotes.

Submission:

Foulkes Cancer Genetics LDI, Lady Davis Institute for Medical Research
Classification: Likely pathogenic for Pleuropulmonary blastoma. Last evaluated: 2019-07-01. Review status: criteria provided, single submitter. Criteria: ACMG Guidelines, 2015. Collection method: curation. Allele origin: germline. Affected: yes. Observed: 1 variant allele.
Comment: ACMG criteria met: PS3, PM2, PP3, BP1

Literature cited by the submitters: PubMed 26566882.

NM_177438.3(DICER1):c.2407G>A (p.Gly803Arg)

Gene: DICER1 (dicer 1, ribonuclease III; minus strand). Cytogenetic location: 14q32.13.
Variant type: single nucleotide variant.
Coding change: c.2407G>A on transcript NM_177438.3 (MANE Select); coding-DNA position 2407, G replaced by A.
Protein change: p.Gly803Arg; replaces glycine 803 with arginine.
Molecular consequence: missense variant.
Genome position (GRCh38, 1-based): chr14:95,108,353, C>T on the plus strand (G>A on the coding strand, the complement: DICER1 is on the minus strand). VCF-style: chr14-95108353-C-T. GRCh37 (hg19) VCF-style: chr14-95574690-C-T.
Other names: c.2407G>A, p.Gly803Arg (NM_001195573.1, NM_001271282.3, NM_001291628.2 and 1 more transcripts); short protein forms G803R.
Identifiers: ClinVar variation 933013 (VCV000933013.3), dbSNP rs1891645525, ClinGen allele CA390882107.